The following is an entry in ClinVar:

ClinVar aggregate classification (germline): Uncertain significance (1 of 4 stars; one submission).

Submission:

Labcorp Genetics (formerly Invitae), Labcorp
Classification: Uncertain significance. Last evaluated: 2023-10-22. Review status: criteria provided, single submitter. Criteria: Invitae Variant Classification Sherloc (09022015). Collection method: clinical testing. Allele origin: unknown.
Comment: A copy number gain of the genomic region encompassing the full coding sequence of the COL10A1 gene has been identified. The boundaries of this event are unknown as they extend beyond the assayed region for this gene and therefore may encompass additional genes. As the precise location of this event is unknown, it may be in tandem or it may be located elsewhere in the genome. This variant has not been reported in the literature in individuals affected with COL10A1-related conditions. In summary, the available evidence is currently insufficient to determine the role of this variant in disease. Therefore, it has been classified as a Variant of Uncertain Significance.

NC_000006.11:g.(?_116441236)_(116600993_?)dup

Genes: COL10A1 (collagen type X alpha 1 chain; minus strand), NT5DC1 (5'-nucleotidase domain containing 1; plus strand), TSPYL1 (TSPY like 1; minus strand), TSPYL4 (TSPY like 4; minus strand). Cytogenetic location: 6q22.1.
Variant type: Duplication.
Identifiers: ClinVar variation 3246083 (VCV003246083.1).